The following is an entry in ClinVar:

NM_004385.5(VCAN):c.1342G>A (p.Gly448Arg)

Gene: VCAN (versican; plus strand). Cytogenetic location: 5q14.3.
Variant type: single nucleotide variant.
Coding change: c.1342G>A on transcript NM_004385.5 (MANE Select); coding-DNA position 1342, G replaced by A.
Protein change: p.Gly448Arg; replaces glycine 448 with arginine.
Molecular consequence: missense variant. On other transcripts: intron variant (2).
Genome position (GRCh38, 1-based): chr5:83,519,648, G>A. VCF-style: chr5-83519648-G-A. GRCh37 (hg19) VCF-style: chr5-82815467-G-A.
Other names: c.1342G>A, p.Gly448Arg (NM_001164098.2); c.1042+7252G>A (NM_001164097.2, NM_001126336.3); short protein forms G448R.
Identifiers: ClinVar variation 1961445 (VCV001961445.5), dbSNP rs758440241, ClinGen allele CA3332653.
Genomic context (GRCh38, chr5:83,519,648, plus strand): 5'-GGCAGTACCAAGAAGCCCTGGGATATGGATGACTACTCACCTTCTGCTTCAGGACCTCTT[G>A]GAAAGCTAGACATATCAGAAATTAAGGAAGAAGTGCTCCAGAGTACAACTGGCGTCTCTC-3'
Protein context (NP_004376.2, residues 438-458): DYSPSASGPL[Gly448Arg]KLDISEIKEE

ClinVar aggregate classification (germline): Uncertain significance (1 of 4 stars; one submission).

Allele frequency attached by ClinVar (database versions not stated): TOPMed 0.00001.
gnomAD v4.1: 11 of 1,614,112 alleles (0.00068%); highest among the groups gnomAD compares: Non-Finnish European, 0.00017%; no homozygotes.

Submission:

Labcorp Genetics (formerly Invitae), Labcorp
Classification: Uncertain significance. Last evaluated: 2024-10-14. Review status: criteria provided, single submitter. Criteria: Invitae Variant Classification Sherloc (09022015). Collection method: clinical testing. Allele origin: germline.
Comment: This sequence change replaces glycine, which is neutral and non-polar, with arginine, which is basic and polar, at codon 448 of the VCAN protein (p.Gly448Arg). This variant is present in population databases (rs758440241, gnomAD 0.02%). This variant has not been reported in the literature in individuals affected with VCAN-related conditions. ClinVar contains an entry for this variant (Variation ID: 1961445). An algorithm developed to predict the effect of missense changes on protein structure and function outputs the following: PolyPhen-2: "Benign". The arginine amino acid residue is found in multiple mammalian species, which suggests that this missense change does not adversely affect protein function. In summary, the available evidence is currently insufficient to determine the role of this variant in disease. Therefore, it has been classified as a Variant of Uncertain Significance.